The following is an entry in ClinVar:

NM_001145358.2(SIN3A):c.23_24del (p.Gln8fs)

Gene: SIN3A (SIN3 transcription regulator family member A; minus strand). Cytogenetic location: 15q24.2.
Variant type: Deletion.
Coding change: c.23_24del on transcript NM_001145358.2 (MANE Select); coding-DNA positions 23 to 24, 2 bases deleted (AG; older notation c.23_24delAG).
Protein change: p.Gln8fs; shifts the reading frame from glutamine 8.
Molecular consequence: frameshift variant.
Genome position (GRCh38, 1-based): chr15:75,430,352-75,430,353, CT deleted on the plus strand (AG on the coding strand, the reverse complement: SIN3A is on the minus strand). VCF-style (leftmost placement, unchanged base first): chr15-75430351-CCT-C. GRCh37 (hg19) VCF-style: chr15-75722692-CCT-C.
Other names: c.23_24del, p.Gln8fs (NM_001145357.2, NM_015477.3); short protein forms Q8fs.
Identifiers: ClinVar variation 1329579 (VCV001329579.2), dbSNP rs2141571783, ClinGen allele CA2573054107.
Genomic context (GRCh38, chr15:75,430,351, plus strand): 5'-GAGGAAAAGCCTCTGTGCTGCCAGGGATCCGACGCTGCTGGGCTGCATACACCGGTGACT[CCT>C]GGTCATCCAAACGCCGCTTCATTCTGTGCTCATGCTCAGGGATGCACTACAAAACCTGCA-3'

ClinVar aggregate classification (germline): Pathogenic (1 of 4 stars; one submission).

Submission:

GeneDx
Classification: Pathogenic. Last evaluated: 2021-06-24. Review status: criteria provided, single submitter. Criteria: GeneDx Variant Classification Process June 2021. Collection method: clinical testing. Allele origin: germline. Affected: yes.
Comment: Frameshift variant predicted to result in protein truncation or nonsense mediated decay in a gene for which loss-of-function is a known mechanism of disease; Not observed at significant frequency in large population cohorts (Lek et al., 2016); Has not been previously published as pathogenic or benign to our knowledge; This variant is associated with the following publications: (PMID: 27535533)